The following is an entry in ClinVar:

NM_020442.6(VARS2):c.994G>A (p.Val332Ile)

Gene: VARS2 (valyl-tRNA synthetase 2, mitochondrial; plus strand). Cytogenetic location: 6p21.33.
Variant type: single nucleotide variant.
Coding change: c.994G>A on transcript NM_020442.6 (MANE Select); coding-DNA position 994, G replaced by A.
Protein change: p.Val332Ile; replaces valine 332 with isoleucine.
Molecular consequence: missense variant.
Genome position (GRCh38, 1-based): chr6:30,918,835, G>A. VCF-style: chr6-30918835-G-A. GRCh37 (hg19) VCF-style: chr6-30886612-G-A.
Other names: c.574G>A, p.Val192Ile (NM_001167733.3); c.1084G>A, p.Val362Ile (NM_001167734.2); short protein forms V192I, V332I, V362I.
Identifiers: ClinVar variation 4074715 (VCV004074715.1).

ClinVar aggregate classification (germline): Uncertain significance (1 of 4 stars; one submission).

Submission:

GeneDx
Classification: Uncertain significance. Last evaluated: 2025-02-11. Review status: criteria provided, single submitter. Criteria: GeneDx Variant Classification Process June 2021. Collection method: clinical testing. Allele origin: germline. Affected: yes.
Comment: Not observed at significant frequency in large population cohorts (gnomAD); In silico analysis indicates that this missense variant does not alter protein structure/function; Has not been previously published as pathogenic or benign to our knowledge